The following is an entry in ClinVar:

NM_001130009.3(GEN1):c.1491T>G (p.Cys497Trp)

Gene: GEN1 (GEN1 Holliday junction 5' flap endonuclease; plus strand). Cytogenetic location: 2p24.2.
Variant type: single nucleotide variant.
Coding change: c.1491T>G on transcript NM_001130009.3 (MANE Select); coding-DNA position 1491, T replaced by G.
Protein change: p.Cys497Trp; replaces cysteine 497 with tryptophan.
Molecular consequence: missense variant.
Genome position (GRCh38, 1-based): chr2:17,780,703, T>G. VCF-style: chr2-17780703-T-G. GRCh37 (hg19) VCF-style: chr2-17961970-T-G.
Other names: c.1491T>G, p.Cys497Trp (NM_182625.5); short protein forms C497W.
Identifiers: ClinVar variation 3519717 (VCV003519717.1).
Genomic context (GRCh38, chr2:17,780,703, plus strand): 5'-TTTGCCAGAACCAGATGAAGTAATGAGCTTTCAGTCACACATGACTTTAAAACCCACATG[T>G]GAAATCTTTCATAAGCAGAATTCCAAGTTAAATTCGGGGATTTCCCCTGATCCTACATTA-3'
Protein context (NP_001123481.3, residues 487-507): FQSHMTLKPT[Cys497Trp]EIFHKQNSKL

ClinVar aggregate classification (germline): Uncertain significance (1 of 4 stars; one submission).

Submission:

Ambry Genetics
Classification: Uncertain significance. Last evaluated: 2024-11-20. Review status: criteria provided, single submitter. Criteria: Ambry Variant Classification Scheme 2023. Collection method: clinical testing. Allele origin: germline.
Comment: The p.C497W variant (also known as c.1491T>G), located in coding exon 13 of the GEN1 gene, results from a T to G substitution at nucleotide position 1491. The cysteine at codon 497 is replaced by tryptophan, an amino acid with highly dissimilar properties. This amino acid position is conserved. In addition, this alteration is predicted to be tolerated by in silico analysis. Based on the available evidence, the clinical significance of this variant remains unclear.